The following is an entry in ClinVar:

NM_000051.4(ATM):c.5302A>T (p.Arg1768Ter)

Gene: ATM (ATM serine/threonine kinase; plus strand). Cytogenetic location: 11q22.3.
Variant type: single nucleotide variant.
Coding change: c.5302A>T on transcript NM_000051.4 (MANE Select); coding-DNA position 5302, A replaced by T.
Protein change: p.Arg1768Ter; replaces arginine 1768 with a stop codon.
Molecular consequence: nonsense.
Genome position (GRCh38, 1-based): chr11:108,301,772, A>T. VCF-style: chr11-108301772-A-T. GRCh37 (hg19) VCF-style: chr11-108172499-A-T.
Other names: c.5302A>T, p.Arg1768Ter (NM_001351834.2); short protein forms R1768*.
Identifiers: ClinVar variation 3326111 (VCV003326111.1).

ClinVar aggregate classification (germline): Pathogenic (1 of 4 stars; one submission).

Conditions:
Hereditary cancer-predisposing syndrome. Also called: Neoplastic Syndromes, Hereditary; Tumor predisposition; Hereditary neoplastic syndrome; Hereditary Cancer Syndrome. Identifiers: Orphanet 140162, MedGen C0027672, MeSH D009386, MONDO:0015356.

Submission:

Ambry Genetics
Classification: Pathogenic for Hereditary cancer-predisposing syndrome. Last evaluated: 2024-05-21. Review status: criteria provided, single submitter. Criteria: Ambry Variant Classification Scheme 2023. Collection method: clinical testing. Allele origin: germline.
Comment: The p.R1768* pathogenic mutation (also known as c.5302A>T), located in coding exon 34 of the ATM gene, results from an A to T substitution at nucleotide position 5302. This changes the amino acid from an arginine to a stop codon within coding exon 34. This variant is considered to be rare based on population cohorts in the Genome Aggregation Database (gnomAD). This alteration is expected to result in loss of function by premature protein truncation or nonsense-mediated mRNA decay. As such, this alteration is interpreted as a disease-causing mutation.